The following is an entry in ClinVar:

NM_000051.4(ATM):c.2974A>G (p.Asn992Asp)

Gene: ATM (ATM serine/threonine kinase; plus strand). Cytogenetic location: 11q22.3.
Variant type: single nucleotide variant.
Coding change: c.2974A>G on transcript NM_000051.4 (MANE Select); coding-DNA position 2974, A replaced by G.
Protein change: p.Asn992Asp; replaces asparagine 992 with aspartic acid.
Molecular consequence: missense variant.
Genome position (GRCh38, 1-based): chr11:108,271,303, A>G. VCF-style: chr11-108271303-A-G. GRCh37 (hg19) VCF-style: chr11-108142030-A-G.
Other names: c.2974A>G, p.Asn992Asp (NM_001351834.2); short protein forms N992D.
Identifiers: ClinVar variation 2864359 (VCV002864359.3), dbSNP rs2135552588, ClinGen allele CA382547283.

ClinVar aggregate classification (germline): Uncertain significance (1 of 4 stars; one submission).

Conditions:
Ataxia-telangiectasia syndrome (AT). Also called: AT, COMPLEMENTATION GROUP C; Ataxia telangiectasia (A-T); ATAXIA-TELANGIECTASIA, COMPLEMENTATION GROUP A; ATAXIA-TELANGIECTASIA, FRESNO VARIANT; Ataxia-telangiectasia, complementation group D; Ataxia-telangiectasia, complementation group E. Identifiers: Orphanet 100, MedGen C0004135, MONDO:0008840, OMIM 208900.

Submission:

Labcorp Genetics (formerly Invitae), Labcorp
Classification: Uncertain significance for Ataxia-telangiectasia syndrome. Last evaluated: 2023-05-15. Review status: criteria provided, single submitter. Criteria: Invitae Variant Classification Sherloc (09022015). Collection method: clinical testing. Allele origin: germline.
Comment: In summary, the available evidence is currently insufficient to determine the role of this variant in disease. Therefore, it has been classified as a Variant of Uncertain Significance. Algorithms developed to predict the effect of sequence changes on RNA splicing suggest that this variant may disrupt the consensus splice site. An algorithm developed to predict the effect of missense changes on protein structure and function (PolyPhen-2) suggests that this variant is likely to be tolerated. This variant has not been reported in the literature in individuals affected with ATM-related conditions. This variant is not present in population databases (gnomAD no frequency). This sequence change replaces asparagine, which is neutral and polar, with aspartic acid, which is acidic and polar, at codon 992 of the ATM protein (p.Asn992Asp).